The following is an entry in ClinVar:

NM_005159.5(ACTC1):c.617-7T>C

Genes: ACTC1 (actin alpha cardiac muscle 1; minus strand), GJD2-DT (GJD2 divergent transcript; plus strand). Cytogenetic location: 15q14.
Variant type: single nucleotide variant.
Coding change: c.617-7T>C on transcript NM_005159.5 (MANE Select); 7 bases into the intron before coding-DNA position 617, T replaced by C.
Molecular consequence: intron variant.
Genome position (GRCh38, 1-based): chr15:34,792,288, A>G on the plus strand (T>C on the coding strand, the complement: ACTC1 is on the minus strand). VCF-style: chr15-34792288-A-G. GRCh37 (hg19) VCF-style: chr15-35084489-A-G.
Other names: c.617-7T>C (LRG_388t1).
Identifiers: ClinVar variation 629346 (VCV000629346.16), dbSNP rs750536667, ClinGen allele CA042395.

ClinVar aggregate classification (germline): Benign/Likely benign. Review status: criteria provided, multiple submitters, no conflicts (2 of 4 stars). 7 submissions from 7 submitters: Benign (1); Likely benign (4). 2 of the submissions do not count toward it. Last evaluated 2026-01-25.

Conditions:
Atrial septal defect 5 (ASD5). Identifiers: Orphanet 1478, MedGen C2748552, MONDO:0013011, OMIM 612794.
Hypertrophic cardiomyopathy 11. Also called: ACTC1-Related Familial Hypertrophic Cardiomyopathy. Identifiers: MedGen C2677506, MONDO:0012799, OMIM 612098.
Dilated cardiomyopathy 1R (CMD1R). Identifiers: Orphanet 154, Orphanet 54260, MedGen C3150681, MONDO:0013261, OMIM 613424.
Cardiomyopathy (CMYO). Also called: Cardiomyopathies. Identifiers: Orphanet 167848, MedGen C0878544, MONDO:0004994, HP:0001638. Inheritance: Various modes of inheritance.
Hypertrophic cardiomyopathy. Also called: HYPERTROPHIC MYOCARDIOPATHY. Identifiers: Orphanet 217569, MedGen C0007194, MeSH D002312, MONDO:0005045, HP:0001639.

Allele frequency attached by ClinVar (database versions not stated): gnomAD 0.00001 and 0.00003; TOPMed 0.00002; ExAC 0.00003; gnomAD exomes 0.00003 and 0.00004.

Submissions (7):

Labcorp Genetics (formerly Invitae), Labcorp
Classification: Likely benign for Dilated cardiomyopathy 1R; Hypertrophic cardiomyopathy 11; Atrial septal defect 5. Last evaluated: 2026-01-25. Review status: criteria provided, single submitter. Criteria: Invitae Variant Classification Sherloc (09022015). Collection method: clinical testing. Allele origin: germline.

All of Us Research Program, National Institutes of Health
Classification: Likely benign for Hypertrophic cardiomyopathy. Last evaluated: 2024-02-05. Review status: criteria provided, single submitter. Criteria: ACMG Guidelines, 2015. Collection method: clinical testing. Allele origin: germline. Inheritance: Autosomal dominant inheritance. Observed: 2 variant alleles, 2 heterozygotes.
Comment: This study involves interpretation of variants in research participants for the purpose of population health screening. Participant phenotype was not available at the time of variant classification. Additional details can be found in publication PMID: 35346344, PMCID: PMC8962531

Women's Health and Genetics/Laboratory Corporation of America, LabCorp
Classification: Benign. Last evaluated: 2022-04-05. Review status: criteria provided, single submitter. Criteria: LabCorp Variant Classification Summary - May 2015. Collection method: clinical testing. Allele origin: germline.
Comment: Variant summary: ACTC1 c.617-7T>C alters a non-conserved nucleotide located close to a canonical splice site and therefore could affect mRNA splicing, leading to a significantly altered protein sequence. 4/4 computational tools predict no significant impact on normal splicing. However, these predictions have yet to be confirmed by functional studies. The variant allele was found at a frequency of 4e-05 in 251460 control chromosomes. The observed variant frequency is approximately 2 fold of the estimated maximal expected allele frequency for a pathogenic variant in ACTC1 causing Cardiomyopathy phenotype (2.5e-05), strongly suggesting that the variant is benign. Three clinical diagnostic laboratories have submitted clinical-significance assessments for this variant to ClinVar after 2014 without evidence for independent evaluation. All laboratories classified the variant as likely benign. Based on the evidence outlined above, the variant was classified as benign.

CHEO Genetics Diagnostic Laboratory, Children's Hospital of Eastern Ontario
Classification: Likely benign for Cardiomyopathy. Last evaluated: 2020-05-14. Review status: criteria provided, single submitter. Criteria: ACMG Guidelines, 2015. Collection method: clinical testing. Allele origin: germline.

Color Diagnostics, LLC DBA Color Health
Classification: Likely benign for Cardiomyopathy. Last evaluated: 2018-09-29. Review status: criteria provided, single submitter. Criteria: ACMG Guidelines, 2015. Collection method: clinical testing. Allele origin: germline.

Genome Diagnostics Laboratory, University Medical Center Utrecht
Classification: Likely benign. Review status: no assertion criteria provided. Collection method: clinical testing. Allele origin: germline. Affected: yes. Study: VKGL Data-share Consensus. Not counted in ClinVar's aggregate classification.

Joint Genome Diagnostic Labs from Nijmegen and Maastricht, Radboudumc and MUMC+
Classification: Likely benign. Review status: no assertion criteria provided. Collection method: clinical testing. Allele origin: germline. Affected: yes. Study: VKGL Data-share Consensus. Not counted in ClinVar's aggregate classification.